The following is an entry in ClinVar:

NM_000372.5(TYR):c.1184+4G>A

Gene: TYR (tyrosinase; plus strand). Cytogenetic location: 11q14.3.
Variant type: single nucleotide variant.
Coding change: c.1184+4G>A on transcript NM_000372.5 (MANE Select); 4 bases into the intron after coding-DNA position 1184, G replaced by A.
Molecular consequence: intron variant.
Genome position (GRCh38, 1-based): chr11:89,227,974, G>A. VCF-style: chr11-89227974-G-A. GRCh37 (hg19) VCF-style: chr11-88961142-G-A.
Identifiers: ClinVar variation 1405653 (VCV001405653.5), dbSNP rs117410990, ClinGen allele CA6221360.
Genomic context (GRCh38, chr11:89,227,974, plus strand): 5'-GGTACAGGGATCTGCCAACGATCCTATCTTCCTTCTTCACCATGCATTTGTTGACAGGTT[G>A]GTTAATATTTCTTTATAAATAACGTGCTCATTGGATTTAAATAGAGGGTGCCTATCAAAT-3'

ClinVar aggregate classification (germline): Uncertain significance. Review status: criteria provided, multiple submitters, no conflicts (2 of 4 stars). 2 submissions from 2 submitters: Uncertain significance (2). Last evaluated 2025-11-25.

Allele frequency attached by ClinVar (database versions not stated): gnomAD exomes 0.00003 and 0.00016; gnomAD 0.00010 and 0.00013; ExAC 0.00013; TOPMed 0.00014; 1000 Genomes Project 0.00100; 1000 Genomes Project 30x 0.00109.
gnomAD v4.1: 65 of 1,612,870 alleles (0.004%); highest among the groups gnomAD compares: East Asian, 0.13%; no homozygotes.

Submissions (2):

Women's Health and Genetics/Laboratory Corporation of America, LabCorp
Classification: Uncertain significance. Last evaluated: 2025-11-25. Review status: criteria provided, single submitter. Criteria: LabCorp Variant Classification Summary - May 2015. Collection method: clinical testing. Allele origin: germline.

Labcorp Genetics (formerly Invitae), Labcorp
Classification: Uncertain significance. Last evaluated: 2024-10-08. Review status: criteria provided, single submitter. Criteria: Invitae Variant Classification Sherloc (09022015). Collection method: clinical testing. Allele origin: germline.
Comment: This sequence change falls in intron 3 of the TYR gene. It does not directly change the encoded amino acid sequence of the TYR protein. It affects a nucleotide within the consensus splice site. This variant is present in population databases (rs117410990, gnomAD 0.2%). This variant has not been reported in the literature in individuals affected with TYR-related conditions. ClinVar contains an entry for this variant (Variation ID: 1405653). Variants that disrupt the consensus splice site are a relatively common cause of aberrant splicing (PMID: 17576681, 9536098). Algorithms developed to predict the effect of sequence changes on RNA splicing suggest that this variant is not likely to affect RNA splicing. In summary, the available evidence is currently insufficient to determine the role of this variant in disease. Therefore, it has been classified as a Variant of Uncertain Significance.

Literature cited by the submitters: PubMed 17576681 (cited by Labcorp Genetics (formerly Invitae), Labcorp); PubMed 9536098 (cited by Labcorp Genetics (formerly Invitae), Labcorp).